The following is an entry in ClinVar:

ClinVar aggregate classification (germline): Uncertain significance (1 of 4 stars; one submission).

Conditions:
Muscular dystrophy-dystroglycanopathy (congenital with impaired intellectual development), type B, 2. Also called: Muscular dystrophy-dystroglycanopathy (congenital with intellectual disability), type B2; MUSCULAR DYSTROPHY, CONGENITAL, POMT2-RELATED. Identifiers: MedGen C3150416, MONDO:0013160, OMIM 613156.
Autosomal recessive limb-girdle muscular dystrophy type 2N. Also called: Muscular dystrophy-dystroglycanopathy (limb-girdle), type C, 2; MUSCULAR DYSTROPHY-DYSTROGLYCANOPATHY, LIMB-GIRDLE, POMT2-RELATED. Identifiers: Orphanet 206559, MedGen C3150418, MONDO:0013162, OMIM 613158.
Muscular dystrophy-dystroglycanopathy (congenital with brain and eye anomalies), type A2. Also called: MUSCULAR DYSTROPHY-DYSTROGLYCANOPATHY (CONGENITAL WITH BRAIN AND EYE ANOMALIES), TYPE A, 2; WALKER-WARBURG SYNDROME OR MUSCLE-EYE-BRAIN DISEASE, POMT2-RELATED. Identifiers: Orphanet 588, Orphanet 899, MedGen C3150411, MONDO:0013154, OMIM 613150.

Submission:

Labcorp Genetics (formerly Invitae), Labcorp
Classification: Uncertain significance for Muscular dystrophy-dystroglycanopathy (congenital with impaired intellectual development), type B, 2; Muscular dystrophy-dystroglycanopathy (congenital with brain and eye anomalies), type A2; Autosomal recessive limb-girdle muscular dystrophy type 2N. Last evaluated: 2022-07-23. Review status: criteria provided, single submitter. Criteria: Invitae Variant Classification Sherloc (09022015). Collection method: clinical testing. Allele origin: germline.
Comment: This variant has not been reported in the literature in individuals affected with POMT2-related conditions. In summary, the available evidence is currently insufficient to determine the role of this variant in disease. Therefore, it has been classified as a Variant of Uncertain Significance. Algorithms developed to predict the effect of missense changes on protein structure and function (SIFT, PolyPhen-2, Align-GVGD) all suggest that this variant is likely to be tolerated. This variant is not present in population databases (gnomAD no frequency). This sequence change replaces serine, which is neutral and polar, with proline, which is neutral and non-polar, at codon 324 of the POMT2 protein (p.Ser324Pro).

NM_013382.7(POMT2):c.970T>C (p.Ser324Pro)

Gene: POMT2 (protein O-mannosyltransferase 2; minus strand). Cytogenetic location: 14q24.3.
Variant type: single nucleotide variant.
Coding change: c.970T>C on transcript NM_013382.7 (MANE Select); coding-DNA position 970, T replaced by C.
Protein change: p.Ser324Pro; replaces serine 324 with proline.
Molecular consequence: missense variant.
Genome position (GRCh38, 1-based): chr14:77,298,725, A>G on the plus strand (T>C on the coding strand, the complement: POMT2 is on the minus strand). VCF-style: chr14-77298725-A-G. GRCh37 (hg19) VCF-style: chr14-77765068-A-G.
Other names: short protein forms S324P.
Identifiers: ClinVar variation 1713581 (VCV001713581.6), dbSNP rs2503262403, ClinGen allele CA390519736.